The following is an entry in ClinVar:

ClinVar aggregate classification (germline): Uncertain significance (1 of 4 stars; one submission).

gnomAD v4.1: 6 of 1,611,568 alleles (0.00037%); highest among the groups gnomAD compares: African/African-American, 0.0027%; no homozygotes.

Submission:

Labcorp Genetics (formerly Invitae), Labcorp
Classification: Uncertain significance. Last evaluated: 2025-06-04. Review status: criteria provided, single submitter. Criteria: Invitae Variant Classification Sherloc (09022015). Collection method: clinical testing. Allele origin: germline.
Comment: This sequence change replaces arginine, which is basic and polar, with histidine, which is basic and polar, at codon 1076 of the TONSL protein (p.Arg1076His). This variant is present in population databases (rs782597482, gnomAD 0.007%). This variant has not been reported in the literature in individuals affected with TONSL-related conditions. Invitae Evidence Modeling of protein sequence and biophysical properties (such as structural, functional, and spatial information, amino acid conservation, physicochemical variation, residue mobility, and thermodynamic stability) indicates that this missense variant is not expected to disrupt TONSL protein function with a negative predictive value of 80%. In summary, the available evidence is currently insufficient to determine the role of this variant in disease. Therefore, it has been classified as a Variant of Uncertain Significance.

NM_013432.5(TONSL):c.3227G>A (p.Arg1076His)

Gene: TONSL (tonsoku like, DNA repair protein; minus strand). Cytogenetic location: 8q24.3.
Variant type: single nucleotide variant.
Coding change: c.3227G>A on transcript NM_013432.5 (MANE Select); coding-DNA position 3227, G replaced by A.
Protein change: p.Arg1076His; replaces arginine 1076 with histidine.
Molecular consequence: missense variant.
Genome position (GRCh38, 1-based): chr8:144,434,138, C>T on the plus strand (G>A on the coding strand, the complement: TONSL is on the minus strand). VCF-style: chr8-144434138-C-T. GRCh37 (hg19) VCF-style: chr8-145659521-C-T.
Other names: short protein forms R1076H.
Identifiers: ClinVar variation 4707034 (VCV004707034.1).